The following is an entry in ClinVar:

NM_002609.4(PDGFRB):c.3274T>A (p.Ser1092Thr)

Gene: PDGFRB (platelet derived growth factor receptor beta; minus strand). Cytogenetic location: 5q32.
Variant type: single nucleotide variant.
Coding change: c.3274T>A on transcript NM_002609.4 (MANE Select); coding-DNA position 3274, T replaced by A.
Protein change: p.Ser1092Thr; replaces serine 1092 with threonine.
Molecular consequence: missense variant.
Genome position (GRCh38, 1-based): chr5:150,115,810, A>T on the plus strand (T>A on the coding strand, the complement: PDGFRB is on the minus strand). VCF-style: chr5-150115810-A-T. GRCh37 (hg19) VCF-style: chr5-149495373-A-T.
Other names: c.3082T>A, p.Ser1028Thr (NM_001355016.2); c.2791T>A, p.Ser931Thr (NM_001355017.2); short protein forms S1092T, S1028T, S931T.
Identifiers: ClinVar variation 2930856 (VCV002930856.3), dbSNP rs1759910310, ClinGen allele CA361751795.
Genomic context (GRCh38, chr5:150,115,810, plus strand): 5'-AGGGGCCAGCCCCCTACAGGAAGCTATCCTCTGCTTCCGCCCGAGGCGCAGGGCACCCCG[A>T]ATCCGGCAACTGTTCCAGCTCTGGCTCCGGCTCCACCTGGAGCTCAAGCTGGGGCTCTGG-3'
Protein context (NP_002600.1, residues 1082-1102): PEPELEQLPD[Ser1092Thr]GCPAPRAEAE

ClinVar aggregate classification (germline): Uncertain significance (1 of 4 stars; one submission).

Conditions:
Infantile myofibromatosis (IMF). Also called: Congenital generalized fibromatosis. Identifiers: Orphanet 2591, MedGen C0432284, MONDO:0016824.
Skeletal overgrowth-craniofacial dysmorphism-hyperelastic skin-white matter lesions syndrome. Also called: SKELETAL OVERGROWTH WITH FACIAL DYSMORPHISM, HYPERELASTIC SKIN, WHITE MATTER LESIONS, AND NEUROLOGIC DETERIORATION; Kosaki overgrowth syndrome. Identifiers: Orphanet 477831, MedGen C4225270, MONDO:0014704, OMIM 616592.
Acroosteolysis-keloid-like lesions-premature aging syndrome. Also called: Premature aging syndrome, Penttinen type; Prematurely aged appearance, delayed bone maturation, acro-osteolysis, and brachydactyly; Progeroid syndrome, Penttinen type. Identifiers: Orphanet 363665, MedGen C1866182, MONDO:0011150, OMIM 601812.
Basal ganglia calcification, idiopathic, 4 (PFBC4). Also called: Familial Idiopathic Basal Ganglia Calcification 4; PRIMARY FAMILIAL BRAIN CALCIFICATION 4, AUTOSOMAL DOMINANT. Identifiers: Orphanet 1980, MedGen C3554321, MONDO:0014004, OMIM 615007.

Allele frequency attached by ClinVar (database versions not stated): TOPMed below 0.00001.

Submission:

Labcorp Genetics (formerly Invitae), Labcorp
Classification: Uncertain significance for Basal ganglia calcification, idiopathic, 4; Skeletal overgrowth-craniofacial dysmorphism-hyperelastic skin-white matter lesions syndrome; Infantile myofibromatosis; Acroosteolysis-keloid-like lesions-premature aging syndrome. Last evaluated: 2026-01-05. Review status: criteria provided, single submitter. Criteria: Invitae Variant Classification Sherloc (09022015). Collection method: clinical testing. Allele origin: germline.
Comment: This sequence change replaces serine, which is neutral and polar, with threonine, which is neutral and polar, at codon 1092 of the PDGFRB protein (p.Ser1092Thr). This variant is not present in population databases (gnomAD no frequency). This variant has not been reported in the literature in individuals affected with PDGFRB-related conditions. ClinVar contains an entry for this variant (Variation ID: 2930856). Invitae Evidence Modeling of protein sequence and biophysical properties (such as structural, functional, and spatial information, amino acid conservation, physicochemical variation, residue mobility, and thermodynamic stability) indicates that this missense variant is not expected to disrupt PDGFRB protein function with a negative predictive value of 95%. In summary, the available evidence is currently insufficient to determine the role of this variant in disease. Therefore, it has been classified as a Variant of Uncertain Significance.